The following is an entry in ClinVar:

ClinVar aggregate classification (germline): Likely benign (0 of 4 stars; one submission).

Conditions:
ARHGAP32-related disorder. Also called: ARHGAP32-related condition.

Submission:

PreventionGenetics, part of Exact Sciences
Classification: Likely benign for ARHGAP32-related condition. Last evaluated: 2019-04-29. Review status: no assertion criteria provided. Collection method: clinical testing. Allele origin: germline.
Comment: This variant is classified as likely benign based on ACMG/AMP sequence variant interpretation guidelines (Richards et al. 2015 PMID: 25741868, with internal and published modifications).

NM_001378024.1(ARHGAP32):c.1299-7A>G

Gene: ARHGAP32 (Rho GTPase activating protein 32; minus strand). Cytogenetic location: 11q24.3.
Variant type: single nucleotide variant.
Coding change: c.1299-7A>G on transcript NM_001378024.1 (MANE Select); 7 bases into the intron before coding-DNA position 1299, A replaced by G.
Molecular consequence: intron variant.
Genome position (GRCh38, 1-based): chr11:128,986,675, T>C on the plus strand (A>G on the coding strand, the complement: ARHGAP32 is on the minus strand). VCF-style: chr11-128986675-T-C. GRCh37 (hg19) VCF-style: chr11-128856570-T-C.
Other names: c.1137-7A>G (NM_001378025.1); c.1257-7A>G (NM_001142685.2); c.210-7A>G (NM_014715.4).
Identifiers: ClinVar variation 3352891 (VCV003352891.1).